The following is an entry in ClinVar:

ClinVar aggregate classification (germline): Pathogenic (1 of 4 stars; one submission).

Conditions:
Hereditary diffuse gastric adenocarcinoma (HDGC). Also called: DIFFUSE GASTRIC AND LOBULAR BREAST CANCER SYNDROME. Identifiers: Orphanet 26106, MedGen C1708349, MONDO:0007648, OMIM 137215.

Submission:

Labcorp Genetics (formerly Invitae), Labcorp
Classification: Pathogenic for Hereditary diffuse gastric adenocarcinoma. Last evaluated: 2022-07-19. Review status: criteria provided, single submitter. Criteria: Invitae Variant Classification Sherloc (09022015). Collection method: clinical testing. Allele origin: germline.
Comment: This variant has not been reported in the literature in individuals affected with CDH1-related conditions. For these reasons, this variant has been classified as Pathogenic. RNA analysis performed to evaluate the impact of this premature translational stop signal on mRNA splicing indicates it does not significantly alter splicing (Invitae). This variant is not present in population databases (gnomAD no frequency). This sequence change creates a premature translational stop signal (p.Thr679Aspfs*9) in the CDH1 gene. It is expected to result in an absent or disrupted protein product. Loss-of-function variants in CDH1 are known to be pathogenic (PMID: 15235021, 20373070).

Literature cited by the submitters: PubMed 15235021; PubMed 20373070.

NM_004360.5(CDH1):c.2033dup (p.Thr679fs)

Gene: CDH1 (cadherin 1; plus strand). Cytogenetic location: 16q22.1.
Variant type: Duplication.
Coding change: c.2033dup on transcript NM_004360.5 (MANE Select); coding-DNA position 2033, one base duplicated (T; older notation c.2033dupT).
Protein change: p.Thr679fs; shifts the reading frame from threonine 679.
Molecular consequence: frameshift variant.
Genome position (GRCh38, 1-based): chr16:68,823,495, T duplicated. VCF-style (leftmost placement, unchanged base first): chr16-68823494-G-GT. GRCh37 (hg19) VCF-style: chr16-68857397-G-GT.
Other names: c.1850dup, p.Thr618fs (NM_001317184.2); c.485dup, p.Thr163fs (NM_001317185.2); c.68dup, p.Thr24fs (NM_001317186.2); short protein forms T163fs, T679fs, T24fs, T618fs.
Identifiers: ClinVar variation 2018111 (VCV002018111.4), dbSNP rs2543945637, ClinGen allele CA496393156.